The following is an entry in ClinVar:

NM_201525.4(ADGRG1):c.1017+8G>A

Gene: ADGRG1 (adhesion G protein-coupled receptor G1; plus strand). Cytogenetic location: 16q21.
Variant type: single nucleotide variant.
Coding change: c.1017+8G>A on transcript NM_201525.4 (MANE Select); 8 bases into the intron after coding-DNA position 1017, G replaced by A.
Molecular consequence: intron variant.
Genome position (GRCh38, 1-based): chr16:57,656,000, G>A. VCF-style: chr16-57656000-G-A. GRCh37 (hg19) VCF-style: chr16-57689912-G-A.
Other names: c.1017+8G>A (NM_001370440.1, NM_001370428.1, NM_001370436.1 and 16 more transcripts); c.507+8G>A (NM_001290142.2); c.492+8G>A (NM_001370451.1, NM_001290143.2, NM_001370453.1 and 2 more transcripts); c.861+8G>A (NM_001370442.1); c.1032+8G>A (NM_001370433.1, NM_001145773.3).
Identifiers: ClinVar variation 158612 (VCV000158612.39), dbSNP rs186479054, ClinGen allele CA271519.

ClinVar aggregate classification (germline): Benign/Likely benign. Review status: criteria provided, multiple submitters, no conflicts (2 of 4 stars). 11 submissions from 11 submitters: Benign (2); Likely benign (7). 2 of the submissions do not count toward it. Last evaluated 2026-02-02.

Conditions:
ADGRG1-related disorder. Also called: ADGRG1-related condition.
Bilateral frontoparietal polymicrogyria. Also called: CEREBELLAR ATAXIA WITH NEURONAL MIGRATION DEFECT; CORTICAL DYSPLASIA, COMPLEX, WITH OTHER BRAIN MALFORMATIONS 14A (BILATERAL FRONTOPARIETAL). Identifiers: Orphanet 101070, MedGen C1847352, MONDO:0011738, OMIM 606854.

Allele frequency attached by ClinVar (database versions not stated): gnomAD 0.00196 and 0.00197; 1000 Genomes Project 0.00100; 1000 Genomes Project 30x 0.00125; ExAC 0.00195; gnomAD exomes 0.00203 and 0.00301; ESP Exome Variant Server 0.00223; TOPMed 0.00232.
gnomAD v4.1: 4,733 of 1,614,018 alleles (0.29%); highest among the groups gnomAD compares: Non-Finnish European, 0.34%; 11 homozygotes.

Submissions (13):

Labcorp Genetics (formerly Invitae), Labcorp
Classification: Benign. Last evaluated: 2026-02-02. Review status: criteria provided, single submitter. Criteria: Invitae Variant Classification Sherloc (09022015). Collection method: clinical testing. Allele origin: germline.

CeGaT Center for Human Genetics Tuebingen
Classification: Likely benign. Last evaluated: 2025-09-01. Review status: criteria provided, single submitter. Criteria: CeGaT Center For Human Genetics Tuebingen Variant Classification Criteria Version 2. Collection method: clinical testing. Allele origin: germline. Affected: yes. Observed: 1 variant allele.
Comment: ADGRG1: BP4

Athena Diagnostics
Classification: Benign. Last evaluated: 2025-05-06. Review status: criteria provided, single submitter. Criteria: Athena Diagnostics Criteria. Collection method: clinical testing. Allele origin: unknown.
Comment: The frequency of this variant in the general population is higher than would generally be expected for pathogenic variants in this gene.

Blueprint Genetics
Classification: Likely benign. Last evaluated: 2024-11-19. Review status: criteria provided, single submitter. Criteria: ACMG Guidelines, 2015. Collection method: clinical testing. Allele origin: germline.

GeneDx
Classification: Likely benign. Last evaluated: 2018-02-09. Review status: criteria provided, single submitter. Criteria: GeneDx Variant Classification (06012015). Collection method: clinical testing. Allele origin: germline. Affected: yes.
Comment: This variant is considered likely benign or benign based on one or more of the following criteria: it is a conservative change, it occurs at a poorly conserved position in the protein, it is predicted to be benign by multiple in silico algorithms, and/or has population frequency not consistent with disease.

Illumina Laboratory Services, Illumina
Classification: Likely benign for Bilateral frontoparietal polymicrogyria. Last evaluated: 2018-01-13. Review status: criteria provided, single submitter. Criteria: ICSL Variant Classification Criteria 13 December 2019. Collection method: clinical testing. Allele origin: germline.
Comment: This variant was observed in the ICSL laboratory as part of a predisposition screen in an ostensibly healthy population. It had not been previously curated by ICSL or reported in the Human Gene Mutation Database (HGMD: prior to June 1st, 2018), and was therefore a candidate for classification through an automated scoring system. Utilizing variant allele frequency, disease prevalence and penetrance estimates, and inheritance mode, an automated score was calculated to assess if this variant is too frequent to cause the disease. Based on the score and internal cut-off values, a variant classified as likely benign is not then subjected to further curation. The score for this variant resulted in a classification of likely benign for this disease.

Genetic Services Laboratory, University of Chicago
Classification: Likely benign. Last evaluated: 2015-09-18. Review status: criteria provided, single submitter. Criteria: ACMG Guidelines, 2015. Collection method: clinical testing. Allele origin: germline. Affected: no.

Eurofins Ntd Llc (ga)
Classification: Likely benign. Last evaluated: 2015-07-07. Review status: criteria provided, single submitter. Criteria: EGL Classification Definitions 2015. Collection method: clinical testing. Allele origin: germline. Observed: 2 variant alleles, 2 heterozygotes.

Breakthrough Genomics
Classification: Likely benign. Review status: criteria provided, single submitter. Criteria: ACMG Guidelines, 2015. Collection method: not provided. Allele origin: germline. Inheritance: Autosomal recessive inheritance. Affected: yes.

Natera, Inc.
Classification: Likely benign for Bilateral frontoparietal polymicrogyria. Last evaluated: 2021-02-26. Review status: no assertion criteria provided. Collection method: clinical testing. Allele origin: germline. Not counted in ClinVar's aggregate classification.

PreventionGenetics, part of Exact Sciences
Classification: Benign for ADGRG1-related condition. Last evaluated: 2019-05-08. Review status: no assertion criteria provided. Collection method: clinical testing. Allele origin: germline. Not counted in ClinVar's aggregate classification.
Comment: This variant is classified as benign based on ACMG/AMP sequence variant interpretation guidelines (Richards et al. 2015 PMID: 25741868, with internal and published modifications).

Dr. Peter K. Rogan Lab, Western University
No classification provided (evidence only). Condition: Lung cancer. Review status: no classification provided. Collection method: in vitro. Allele origin: not applicable. Functional consequence: retained intron. Not counted in ClinVar's aggregate classification.

Dr. Peter K. Rogan Lab, Western University
No classification provided (evidence only). Condition: Familial cancer of breast. Review status: no classification provided. Collection method: in vitro. Allele origin: not applicable. Functional consequence: retained intron. Not counted in ClinVar's aggregate classification.

Literature cited by the submitters: PubMed 37301908 (cited by Athena Diagnostics).